The following is an entry in ClinVar:

NM_182961.4(SYNE1):c.24683A>G (p.Glu8228Gly)

Gene: SYNE1 (spectrin repeat containing nuclear envelope protein 1; minus strand). Cytogenetic location: 6q25.2.
Variant type: single nucleotide variant.
Coding change: c.24683A>G on transcript NM_182961.4 (MANE Select); coding-DNA position 24683, A replaced by G.
Protein change: p.Glu8228Gly; replaces glutamic acid 8228 with glycine.
Molecular consequence: missense variant.
Genome position (GRCh38, 1-based): chr6:152,148,338, T>C on the plus strand (A>G on the coding strand, the complement: SYNE1 is on the minus strand). VCF-style: chr6-152148338-T-C. GRCh37 (hg19) VCF-style: chr6-152469473-T-C.
Other names: c.1289A>G, p.Glu430Gly (NM_001347701.2); c.1148A>G, p.Glu383Gly (NM_001347702.2); c.24470A>G, p.Glu8157Gly (NM_033071.5); short protein forms E8157G, E8228G, E383G, E430G.
Identifiers: ClinVar variation 1961736 (VCV001961736.5), dbSNP rs2549964854, ClinGen allele CA366085464.

ClinVar aggregate classification (germline): Uncertain significance (1 of 4 stars; one submission).

Conditions:
Emery-Dreifuss muscular dystrophy 4, autosomal dominant (EDMD4). Also called: EMERY-DREIFUSS MUSCULAR DYSTROPHY 4 WITH VARIABLE FEATURES. Identifiers: Orphanet 261, MedGen C2751807, MONDO:0013071, OMIM 612998.
Autosomal recessive ataxia, Beauce type. Also called: SYNE1 Deficiency; Spinocerebellar ataxia, autosomal recessive 8; ATAXIA, RECESSIVE, OF BEAUCE; SYNE1-Related Autosomal Recessive Cerebellar Ataxia. Identifiers: Orphanet 88644, MedGen C1853116, MONDO:0012549, OMIM 610743.

Submission:

Labcorp Genetics (formerly Invitae), Labcorp
Classification: Uncertain significance for Emery-Dreifuss muscular dystrophy 4, autosomal dominant; Autosomal recessive ataxia, Beauce type. Last evaluated: 2023-07-07. Review status: criteria provided, single submitter. Criteria: Invitae Variant Classification Sherloc (09022015). Collection method: clinical testing. Allele origin: germline.
Comment: In summary, the available evidence is currently insufficient to determine the role of this variant in disease. Therefore, it has been classified as a Variant of Uncertain Significance. This sequence change replaces glutamic acid, which is acidic and polar, with glycine, which is neutral and non-polar, at codon 8157 of the SYNE1 protein (p.Glu8157Gly). This variant is not present in population databases (gnomAD no frequency). This variant has not been reported in the literature in individuals affected with SYNE1-related conditions. ClinVar contains an entry for this variant (Variation ID: 1961736). An algorithm developed to predict the effect of missense changes on protein structure and function (PolyPhen-2) suggests that this variant is likely to be tolerated. Algorithms developed to predict the effect of sequence changes on RNA splicing suggest that this variant may create or strengthen a splice site.